The following is an entry in ClinVar:

ClinVar aggregate classification (germline): Likely benign (1 of 4 stars; one submission).

Submission:

CeGaT Center for Human Genetics Tuebingen
Classification: Likely benign. Last evaluated: 2026-02-01. Review status: criteria provided, single submitter. Criteria: CeGaT Center For Human Genetics Tuebingen Variant Classification Criteria Version 2. Collection method: clinical testing. Allele origin: germline. Affected: yes. Observed: 1 variant allele.
Comment: CPSF1: BP4, BP7

NM_013291.3(CPSF1):c.12G>A (p.Val4=)

Genes: CPSF1 (cleavage and polyadenylation specific factor 1; minus strand), LOC130001395 (ATAC-STARR-seq lymphoblastoid silent region 19681; plus strand). Cytogenetic location: 8q24.3.
Variant type: single nucleotide variant.
Coding change: c.12G>A on transcript NM_013291.3 (MANE Select); coding-DNA position 12, G replaced by A.
Protein change: p.Val4=; no amino-acid change (valine 4 retained).
Molecular consequence: synonymous variant.
Genome position (GRCh38, 1-based): chr8:144,409,147, C>T on the plus strand (G>A on the coding strand, the complement: CPSF1 is on the minus strand). VCF-style: chr8-144409147-C-T. GRCh37 (hg19) VCF-style: chr8-145634531-C-T.
Identifiers: ClinVar variation 4822359 (VCV004822359.2).